The following is an entry in ClinVar:

NM_000053.4(ATP7B):c.1285+6T>A

Gene: ATP7B (ATPase copper transporting beta; minus strand). Cytogenetic location: 13q14.3.
Variant type: single nucleotide variant.
Coding change: c.1285+6T>A on transcript NM_000053.4 (MANE Select); 6 bases into the intron after coding-DNA position 1285, T replaced by A.
Molecular consequence: intron variant.
Genome position (GRCh38, 1-based): chr13:51,973,929, A>T on the plus strand (T>A on the coding strand, the complement: ATP7B is on the minus strand). VCF-style: chr13-51973929-A-T. GRCh37 (hg19) VCF-style: chr13-52548065-A-T.
Other names: c.1285+6T>A (NM_001406541.1, NM_001406531.1, NM_001406527.1 and 29 more transcripts); c.1189+6T>A (NM_001406543.1, NM_001406518.1, NM_001406544.1 and 3 more transcripts); c.952+6T>A (NM_001243182.2); c.856+6T>A (NM_001406539.1).
Identifiers: ClinVar variation 3075431 (VCV003075431.1), dbSNP rs2547812814, ClinGen allele CA2825002193.

ClinVar aggregate classification (germline): Uncertain significance (1 of 4 stars; one submission).

Conditions:
Wilson disease (WND). Also called: Wilson's disease. Identifiers: Orphanet 905, MedGen C0019202, MONDO:0010200, OMIM 277900. Disease mechanism: loss of function.

Submission:

All of Us Research Program, National Institutes of Health
Classification: Uncertain significance for Wilson disease. Last evaluated: 2024-02-05. Review status: criteria provided, single submitter. Criteria: ACMG Guidelines, 2015. Collection method: clinical testing. Allele origin: germline. Inheritance: Autosomal recessive inheritance. Observed: 1 variant allele, 1 heterozygote.
Comment: This variant causes a T to A nucleotide substitution at the +6 position of intron 2/20 of the ATP7B gene. To our knowledge, functional studies have not been reported for this variant. This variant has not been reported in individuals affected with ATP7B-related disorders in the literature. This variant has not been identified in the general population by the Genome Aggregation Database (gnomAD). The available evidence is insufficient to determine the role of this variant in disease conclusively. Therefore, this variant is classified as a Variant of Uncertain Significance.

This study involves interpretation of variants in research participants for the purpose of population health screening. Participant phenotype was not available at the time of variant classification. Additional details can be found in publication PMID: 35346344, PMCID: PMC8962531